The following is an entry in ClinVar:

NM_000135.4(FANCA):c.285_522+1del

Gene: FANCA (FA complementation group A; minus strand). Cytogenetic location: 16q24.3.
Variant type: Deletion.
Coding change: c.285_522+1del on transcript NM_000135.4 (MANE Select); coding-DNA position 285 through the canonical splice donor site of the intron after coding-DNA position 522, 365 bases deleted.
Molecular consequence: splice acceptor variant, splice donor variant.
Genome position (GRCh38, 1-based): chr16:89,810,706-89,811,070, 365 bases deleted. GRCh37 (hg19): chr16:89,877,117-89,877,481.
Other names: c.285_522+1del (NM_001286167.3, NM_001018112.3); c.285_426+223del (NM_001351830.2).
Identifiers: ClinVar variation 974089 (VCV000974089.1), dbSNP rs2040843894, ClinGen allele CA1139664984.

ClinVar aggregate classification (germline): Pathogenic (0 of 4 stars; one submission).

Conditions:
Fanconi anemia complementation group A (FANCA). Also called: Fanconi anemia, group A; FANCA-Related Fanconi Anemia. Identifiers: Orphanet 84, MedGen C3469521, MONDO:0009215, OMIM 227650.

Submission:

Leiden Open Variation Database
Classification: Pathogenic for Fanconi anemia complementation group A. Last evaluated: 2020-02-28. Review status: no assertion criteria provided. Collection method: curation. Allele origin: germline. Affected: yes.
Comment: Curator: Arleen D. Auerbach. Submitter to LOVD: Johan de Winter.

Literature cited by the submitters: PubMed 17924555.